The following is an entry in ClinVar:

ClinVar aggregate classification (germline): Pathogenic. Review status: criteria provided, single submitter (1 of 4 stars). 2 submissions from 1 submitter: Pathogenic (2). Last evaluated 2022-10-22.

Conditions:
Primary ciliary dyskinesia. Also called: Ciliary dyskinesia. Identifiers: Orphanet 244, MedGen C0008780, MONDO:0016575, HP:0012265.
Ornithine carbamoyltransferase deficiency (OTCD). Also called: ORNITHINE TRANSCARBAMYLASE DEFICIENCY, HYPERAMMONEMIA DUE TO; ORNITHINE TRANSCARBAMYLASE DEFICIENCY; OTC DEFICIENCY; Ornithine Carbamoyltransferase Deficiency Disease. Identifiers: Orphanet 664, MedGen C0268542, MONDO:0010703, OMIM 311250.

Submissions (2):

Labcorp Genetics (formerly Invitae), Labcorp
Classification: Pathogenic for Ornithine carbamoyltransferase deficiency. Last evaluated: 2022-10-22. Review status: criteria provided, single submitter. Criteria: Invitae Variant Classification Sherloc (09022015). Collection method: clinical testing. Allele origin: germline.
Comment: A gross deletion of the genomic region encompassing the full coding sequence of the OTC gene has been identified. Loss-of-function variants in OTC are known to be pathogenic (PMID: 10946359, 16786505). The boundaries of this event are unknown as they extend beyond the assayed region for this gene and therefore may encompass additional genes. A similar copy number variant has been observed in individual(s) with OTC deficiency (PMID: 11793468, 18487280, 19138872, 19475717, 19783189, 22382802, 22494545). For these reasons, this variant has been classified as Pathogenic.

Labcorp Genetics (formerly Invitae), Labcorp
Classification: Pathogenic for Primary ciliary dyskinesia. Last evaluated: 2022-10-13. Review status: criteria provided, single submitter. Criteria: Invitae Variant Classification Sherloc (09022015). Collection method: clinical testing. Allele origin: germline.
Comment: A gross deletion of the genomic region encompassing the full coding sequence of the RPGR gene has been identified. Loss-of-function variants in RPGR are known to be pathogenic (PMID: 16055928, 16969763). The boundaries of this event are unknown as they extend beyond the assayed region for this gene and therefore may encompass additional genes. This variant has not been reported in the literature in individuals affected with RPGR-related conditions. For these reasons, this variant has been classified as Pathogenic.

Literature cited by the submitters: PubMed 10946359; PubMed 16786505; PubMed 11793468; PubMed 18487280; PubMed 19138872; PubMed 19475717; PubMed 19783189; PubMed 22382802; PubMed 22494545; PubMed 16055928; PubMed 16969763.

NC_000023.10:g.(?_38128879)_(38280335_?)del

Genes: OTC (ornithine transcarbamylase; plus strand), RPGR (retinitis pigmentosa GTPase regulator; minus strand). Cytogenetic location: Xp11.4.
Variant type: Deletion.
Identifiers: ClinVar variation 2422892 (VCV002422892.12).